The following is an entry in ClinVar:

NM_001182.5(ALDH7A1):c.651-3_651-1del

Gene: ALDH7A1 (aldehyde dehydrogenase 7 family member A1; minus strand). Cytogenetic location: 5q23.2.
Variant type: Deletion.
Coding change: c.651-3_651-1del on transcript NM_001182.5 (MANE Select); 3 bases into the intron before coding-DNA position 651 through the canonical splice acceptor site of the intron before coding-DNA position 651, 3 bases deleted (AAG; older notation c.651-3_651-1delAAG).
Molecular consequence: splice acceptor variant.
Genome position (GRCh38, 1-based): chr5:126,575,465-126,575,467, CTT deleted on the plus strand (AAG on the coding strand, the reverse complement: ALDH7A1 is on the minus strand). VCF-style (leftmost placement, unchanged base first): chr5-126575464-CCTT-C. GRCh37 (hg19) VCF-style: chr5-125911156-CCTT-C.
Other names: c.651-3_651-1del (NM_001202404.2); c.567-3_567-1del (NM_001201377.2).
Identifiers: ClinVar variation 947599 (VCV000947599.11), dbSNP rs1337742915, ClinGen allele CA562237305.

ClinVar aggregate classification (germline): Pathogenic (1 of 4 stars; one submission).

Conditions:
Pyridoxine-dependent epilepsy (EPEO4). Also called: PYRIDOXINE DEPENDENCY WITH SEIZURES; Pyridoxine-Dependent Epilepsy - ALDH7A1; EPILEPSY, EARLY-ONSET, 4, VITAMIN B6-DEPENDENT; Pyridoxine-Dependent Seizures. Identifiers: Orphanet 3006, MedGen C1849508, MONDO:0009945, OMIM 266100. Disease mechanism: loss of function.

Allele frequency attached by ClinVar (database versions not stated): gnomAD 0.00001; gnomAD exomes 0.00001 and 0.00002; TOPMed 0.00001.

Submission:

Labcorp Genetics (formerly Invitae), Labcorp
Classification: Pathogenic for Pyridoxine-dependent epilepsy. Last evaluated: 2024-03-01. Review status: criteria provided, single submitter. Criteria: Invitae Variant Classification Sherloc (09022015). Collection method: clinical testing. Allele origin: germline.
Comment: This sequence change affects a splice site in intron 6 of the ALDH7A1 gene. It is expected to disrupt RNA splicing. Variants that disrupt the donor or acceptor splice site typically lead to a loss of protein function (PMID: 16199547), and loss-of-function variants in ALDH7A1 are known to be pathogenic (PMID: 16491085, 20554659). This variant is present in population databases (no rsID available, gnomAD 0.002%). Disruption of this splice site has been observed in individual(s) with pyridoxine-dependent epilepsy (PMID: 19128417). In at least one individual the data is consistent with being in trans (on the opposite chromosome) from a pathogenic variant. ClinVar contains an entry for this variant (Variation ID: 947599). Algorithms developed to predict the effect of sequence changes on RNA splicing suggest that this variant may disrupt the consensus splice site. For these reasons, this variant has been classified as Pathogenic.

Literature cited by the submitters: PubMed 16199547; PubMed 16491085; PubMed 20554659; PubMed 19128417.